The following is an entry in ClinVar:

NM_021922.3(FANCE):c.209del (p.Glu70fs)

Genes: FANCE (FA complementation group E; plus strand), LOC129996245 (ATAC-STARR-seq lymphoblastoid silent region 17092; plus strand). Cytogenetic location: 6p21.31.
Variant type: Deletion.
Coding change: c.209del on transcript NM_021922.3 (MANE Select); coding-DNA position 209, one base deleted (A; older notation c.209delA).
Protein change: p.Glu70fs; shifts the reading frame from glutamic acid 70.
Molecular consequence: frameshift variant.
Genome position (GRCh38, 1-based): chr6:35,452,754, A deleted. VCF-style (leftmost placement, unchanged base first): chr6-35452753-GA-G. GRCh37 (hg19) VCF-style: chr6-35420530-GA-G.
Other names: c.209del, p.Glu70fs (NM_001410876.1); short protein forms E70fs.
Identifiers: ClinVar variation 2714503 (VCV002714503.3), dbSNP rs2471785512, ClinGen allele CA2697553294.

ClinVar aggregate classification (germline): Pathogenic (1 of 4 stars; one submission).

Conditions:
Fanconi anemia complementation group E (FANCE). Also called: FANCE-Related Fanconi Anemia. Identifiers: Orphanet 84, MedGen C3160739, MONDO:0010953, OMIM 600901.

Submission:

Labcorp Genetics (formerly Invitae), Labcorp
Classification: Pathogenic for Fanconi anemia complementation group E. Last evaluated: 2024-01-31. Review status: criteria provided, single submitter. Criteria: Invitae Variant Classification Sherloc (09022015). Collection method: clinical testing. Allele origin: germline.
Comment: This sequence change creates a premature translational stop signal (p.Glu70Glyfs*14) in the FANCE gene. It is expected to result in an absent or disrupted protein product. Loss-of-function variants in FANCE are known to be pathogenic (PMID: 11001585, 17924555). This variant is not present in population databases (gnomAD no frequency). This variant has not been reported in the literature in individuals affected with FANCE-related conditions. Algorithms developed to predict the effect of sequence changes on RNA splicing suggest that this variant may disrupt the consensus splice site. For these reasons, this variant has been classified as Pathogenic.

Literature cited by the submitters: PubMed 11001585; PubMed 17924555.